The following is an entry in ClinVar:

NM_004260.4(RECQL4):c.1007C>T (p.Thr336Ile)

Gene: RECQL4 (RecQ like helicase 4; minus strand). Cytogenetic location: 8q24.3.
Variant type: single nucleotide variant.
Coding change: c.1007C>T on transcript NM_004260.4 (MANE Select); coding-DNA position 1007, C replaced by T.
Protein change: p.Thr336Ile; replaces threonine 336 with isoleucine.
Molecular consequence: missense variant.
Genome position (GRCh38, 1-based): chr8:144,516,112, G>A on the plus strand (C>T on the coding strand, the complement: RECQL4 is on the minus strand). VCF-style: chr8-144516112-G-A. GRCh37 (hg19) VCF-style: chr8-145741496-G-A.
Other names: short protein forms T336I.
Identifiers: ClinVar variation 840231 (VCV000840231.5), dbSNP rs1470222070, ClinGen allele CA372688343.
Genomic context (GRCh38, chr8:144,516,112, plus strand): 5'-AGCCGTACGTAATTGCCCCTGTCATGGCGGGCCAGCCGAGGGAAGATGTGCAGGGGGGCT[G>A]TGCCCTCAGCCTTCCCAGCCCTAGCTTGACTGGAGGGGCTGAGTCCGTGGTACCTGGGGT-3'
Protein context (NP_004251.4, residues 326-346): SQARAGKAEG[Thr336Ile]APLHIFPRLA

ClinVar aggregate classification (germline): Uncertain significance. Review status: criteria provided, multiple submitters, no conflicts (2 of 4 stars). 2 submissions from 2 submitters: Uncertain significance (2). Last evaluated 2025-01-06.

Conditions:
Inborn genetic diseases. Identifiers: MedGen C0950123, MeSH D030342.
Baller-Gerold syndrome (BGS). Also called: CRANIOSYNOSTOSIS WITH RADIAL DEFECTS. Identifiers: Orphanet 1225, MedGen C0265308, MONDO:0009039, OMIM 218600.

Allele frequency attached by ClinVar (database versions not stated): gnomAD 0.00001; gnomAD exomes 0.00001; TOPMed 0.00001.
gnomAD v4.1: 11 of 1,612,788 alleles (0.00068%); highest among the groups gnomAD compares: Non-Finnish European, 0.00085%; no homozygotes.

Submissions (2):

Ambry Genetics
Classification: Uncertain significance for Inborn genetic diseases. Last evaluated: 2025-01-06. Review status: criteria provided, single submitter. Criteria: Ambry Variant Classification Scheme 2023. Collection method: clinical testing. Allele origin: germline.
Comment: The p.T336I variant (also known as c.1007C>T), located in coding exon 5 of the RECQL4 gene, results from a C to T substitution at nucleotide position 1007. The threonine at codon 336 is replaced by isoleucine, an amino acid with similar properties. This amino acid position is conserved. In addition, this alteration is predicted to be tolerated by in silico analysis. Based on the available evidence, the clinical significance of this variant remains unclear.

Labcorp Genetics (formerly Invitae), Labcorp
Classification: Uncertain significance for Baller-Gerold syndrome. Last evaluated: 2023-09-08. Review status: criteria provided, single submitter. Criteria: Invitae Variant Classification Sherloc (09022015). Collection method: clinical testing. Allele origin: germline.
Comment: Advanced modeling of protein sequence and biophysical properties (such as structural, functional, and spatial information, amino acid conservation, physicochemical variation, residue mobility, and thermodynamic stability) performed at Invitae indicates that this missense variant is not expected to disrupt RECQL4 protein function. In summary, the available evidence is currently insufficient to determine the role of this variant in disease. Therefore, it has been classified as a Variant of Uncertain Significance. ClinVar contains an entry for this variant (Variation ID: 840231). This variant has not been reported in the literature in individuals affected with RECQL4-related conditions. This variant is not present in population databases (gnomAD no frequency). This sequence change replaces threonine, which is neutral and polar, with isoleucine, which is neutral and non-polar, at codon 336 of the RECQL4 protein (p.Thr336Ile).